The following is an entry in ClinVar:

ClinVar aggregate classification (germline): Pathogenic. Review status: reviewed by expert panel (3 of 4 stars). 13 submissions from 13 submitters: Pathogenic (1). 12 of the submissions do not count toward it. Last evaluated 2022-06-06.

Conditions:
GAMT-related disorder. Also called: GAMT-related condition.
Cerebral creatine deficiency syndrome. Also called: Creatine deficiency syndromes. Identifiers: Orphanet 79172, MedGen C5244016, MONDO:0000456.
Deficiency of guanidinoacetate methyltransferase (CCDS2). Also called: CEREBRAL CREATINE DEFICIENCY SYNDROME 2; GAMT DEFICIENCY; Guanidinoacetate Methyltransferase (GAMT) Deficiency. Identifiers: Orphanet 382, MedGen C0574080, MONDO:0012999, OMIM 612736.

Allele frequency attached by ClinVar (database versions not stated): ExAC 0.00003; gnomAD exomes 0.00003; TOPMed 0.00006; ESP Exome Variant Server 0.00008.
gnomAD v4.1: 229 of 1,613,322 alleles (0.014%); highest among the groups gnomAD compares: Non-Finnish European, 0.019%; no homozygotes.

Submissions 1 to 9 of 13:

ClinGen Cerebral Creatine Deficiency Syndromes Variant Curation Expert Panel, ClinGen
Classification: Pathogenic for Deficiency of guanidinoacetate methyltransferase. Last evaluated: 2022-06-06. Review status: reviewed by expert panel. Criteria: ClinGen_CCDS_ACMG_Specifications_GAMT_v1.1. Collection method: curation. Allele origin: germline. Inheritance: Autosomal recessive inheritance.
Comment: The NM_000156.6:c.522G>A (p.Trp174Ter) variant is a nonsense variant in the last 50bp of the penultimate exon of GAMT, predicted to cause a premature stop codon in the last 50 nucleotides of the penultimate exon of the gene and therefore to escape nonsense mediated decay. More than 10% of the protein is predicted to be removed (PVS1_Strong). At least six probands and two siblings have been reported with clinical and biochemical features consistent with GAMT deficiency including 3 probands and one sibling with elevated plasma GAA (PMID 23660394), 1 proband with enzyme deficiency (PMID 17171576), 2 probands with reduced plasma creatine, elevated plasma GAA, and reduced creatine peak on MRS (PMID 23583224, 24071436), and a sibling of one of these patients with reduced plasma creatine and elevated plasma GAA (PMID 23583224) (PP4_Strong). Of these probands 4 are compound heterozygous for the variant and a variant that is classified as pathogenic by the ClinGen CCDS VCEP, c.327G>A, phase unknown (PMIDs 17171576, 19027335, 23583224, 23660394, 24071436, 24268530, (PM3). Another two probands are compound heterozygous for the variant and a missense variant, either c.491G>A (p.Gly164Asp) or c.505T>C (p.Cys169Arg) (PMID 23660394, 24268530). The in trans data from these patients will be used in the assessment of the missense variants and is not included here to avoid circular logic. The highest population minor allele frequency in gnomAD v2.1.1 is 0.00006 (7/113306 alleles) in the European non-Finnish population, which is less that the ClinGen CCDS VCEP's threshold for PM2_Supporting (<0.0004), meeting this criterion (PM2_Supporting). There is a ClinVar entry for this variant (Variation ID: 205584). In summary, this variant meets the criteria to be classified as pathogenic for GAMT deficiency. GAMT-specific ACMG/AMP criteria applied, as specified by the ClinGen CCDS VCEP (Specifications Version 1.1.0): PVS1_Strong, PP4_Strong, PM3, PM2_Supporting. (Classification approved by the ClinGen CCDS VCEP on June 6, 2022).

Wales Gene Park, Division Of Cancer and Genetics, Cardiff University
Classification: Pathogenic for Deficiency of guanidinoacetate methyltransferase. Last evaluated: 2026-04-28. Review status: criteria provided, single submitter. Criteria: ACGS Best Practice Guidelines for Variant Classification in Rare Disease 2024. Collection method: research. Allele origin: inherited. Inheritance: Autosomal recessive inheritance. Affected: yes. Study: 100,000 Genomes Project (Wales). Not counted in ClinVar's aggregate classification.
Comment: Inherited GAMT nonsense variant detected by trio genome sequencing. Low frequency in gnomAD (v4.1.1). Evidence codes: PVS1, PM2, PM3.

PreventionGenetics, part of Exact Sciences
Classification: Pathogenic for GAMT-related condition. Last evaluated: 2025-12-22. Review status: criteria provided, single submitter. Criteria: ACMG Guidelines, 2015. Collection method: clinical testing. Allele origin: germline. Not counted in ClinVar's aggregate classification.
Comment: The GAMT c.522G>A variant is predicted to result in premature protein termination (p.Trp174*). This variant was reported in the compound heterozygous in multiple individuals with guanidinoacetate methyltransferase deficiency (see, for example, Morris et al. 2007. PubMed ID: 17171576; Dhar et al. 2008. PubMed ID: 19027335). This variant is reported in 0.0062% of alleles in individuals of European (Non-Finnish) descent in gnomAD. Nonsense variants in GAMT are expected to be pathogenic. This variant is interpreted as pathogenic.

Labcorp Genetics (formerly Invitae), Labcorp
Classification: Pathogenic for Cerebral creatine deficiency syndrome. Last evaluated: 2025-11-24. Review status: criteria provided, single submitter. Criteria: Invitae Variant Classification Sherloc (09022015). Collection method: clinical testing. Allele origin: germline. Not counted in ClinVar's aggregate classification.
Comment: This sequence change creates a premature translational stop signal (p.Trp174*) in the GAMT gene. It is expected to result in an absent or disrupted protein product. Loss-of-function variants in GAMT are known to be pathogenic (PMID: 15108290). This variant is present in population databases (rs370421531, gnomAD 0.006%). This premature translational stop signal has been observed in individuals with guanidinoacetate methyltransferase deficiency (PMID: 17171576, 19027335, 23583224, 23660394, 24071436, 24268530). ClinVar contains an entry for this variant (Variation ID: 205584). For these reasons, this variant has been classified as Pathogenic.

Natera, Inc.
Classification: Pathogenic for Guanidinoacetate methyltransferase deficiency. Last evaluated: 2025-09-16. Review status: criteria provided, single submitter. Criteria: Natera Variant Classification Schema (03/2026). Collection method: clinical testing. Allele origin: germline. Not counted in ClinVar's aggregate classification.
Comment: The c.522G>A variant in GAMT is a nonsense variant predicted to introduce a stop codon at amino acid 174. This variant is expected to result in nonsense mediated decay, truncation, or a dysfunctional protein product. This variant is rare in the general population with a frequency below the threshold expected for the associated phenotype(s). This variant has been observed in one or more individuals affected with the associated recessive disease, as either homozygous or compound heterozygous with a second variant (PMID: 19027335). Given the available evidence, this variant is classified as Pathogenic.

Blueprint Genetics
Classification: Pathogenic for GAMT-related disorders. Last evaluated: 2024-05-15. Review status: criteria provided, single submitter. Criteria: ACMG Guidelines, 2015. Collection method: clinical testing. Allele origin: germline. Affected: yes. Observed: 5 variant alleles. Not counted in ClinVar's aggregate classification.

GeneDx
Classification: Pathogenic. Last evaluated: 2022-05-06. Review status: criteria provided, single submitter. Criteria: GeneDx Variant Classification Process June 2021. Collection method: clinical testing. Allele origin: germline. Affected: yes. Not counted in ClinVar's aggregate classification.
Comment: Nonsense variant in the C-terminus predicted to result in protein truncation, as the last 63 amino acids are lost, and other loss-of-function variants have been reported downstream in HGMD; Not observed at significant frequency in large population cohorts (gnomAD); This variant is associated with the following publications: (PMID: 25525159, 17171576, 19027335, 15108290, 24071436, 23583224, 24268530, 23660394, 16169544, 26003046, 34389248)

Fulgent Genetics
Classification: Pathogenic for Deficiency of guanidinoacetate methyltransferase. Last evaluated: 2021-12-30. Review status: criteria provided, single submitter. Criteria: ACMG Guidelines, 2015. Collection method: clinical testing. Allele origin: unknown. Not counted in ClinVar's aggregate classification.

Broad Center for Mendelian Genomics, Broad Institute of MIT and Harvard
Classification: Pathogenic for Cerebral creatine deficiency syndrome. Last evaluated: 2021-11-02. Review status: criteria provided, single submitter. Criteria: ACMG Guidelines, 2015. Collection method: curation. Allele origin: germline. Inheritance: Autosomal recessive inheritance. Not counted in ClinVar's aggregate classification.
Comment: The p.Trp174Ter (c.522G>A) variant in GAMT has been reported in at least 6 individuals with cerebral creatine deficiency syndrome (PMID: 19027335, 23660394, 24071436, 24268530) and has been identified in in 0.006% (7/113306) of European (non-Finnish) chromosomes by the Genome Aggregation Database (gnomAD; dbSNP ID: rs370421531). Although this variant has been seen in the general population in a heterozygous state, its frequency is low enough to be consistent with a recessive carrier frequency. Of the at least 6 affected individuals, 3 were compound heterozygotes that carried a reported pathogenic variant with unknown phase, which increases the likelihood that the p.Trp174Ter variant is pathogenic (Variation ID: 21065, 205581; PMID: 19027335, 23660394, 24071436, 24268530). This variant has also been reported in ClinVar (Variation ID#: 205584) and has been interpreted as pathogenic by Fulgent Genetics, GeneDx, Illumina Clinical Services Laboratory (Illumina), Women's Health and Genetics (Laboratory Corporation of America, LabCorp), Invitae, and Natera, Inc. This nonsense variant leads to a premature termination codon at position 174. This alteration occurs within the terminal 50 bases of the second to last exon and is more likely to escape nonsense mediated decay (NMD) and result in a truncated protein. Loss of function of the GAMT gene is an established disease mechanism in autosomal recessive cerebral creatine deficiency syndrome. The phenotype of individuals homozygous or compound heterozygous for this variant is highly specific for cerebral creatine deficiency syndrome based on strict biochemical investigations consistent with disease (PMID: 23660394, 24071436, 19027335). In summary, this variant meets criteria to be classified as pathogenic for autosomal recessive cerebral creatine deficiency syndrome. ACMG/AMP Criteria applied: PVS1_strong, PM3, PM2_supporting, PP4_strong (Richards 2015).

NM_000156.6(GAMT):c.522G>A (p.Trp174Ter)

Gene: GAMT (guanidinoacetate N-methyltransferase; minus strand). Cytogenetic location: 19p13.3.
Variant type: single nucleotide variant.
Coding change: c.522G>A on transcript NM_000156.6 (MANE Select); coding-DNA position 522, G replaced by A.
Protein change: p.Trp174Ter; replaces tryptophan 174 with a stop codon.
Molecular consequence: nonsense.
Genome position (GRCh38, 1-based): chr19:1,398,964, C>T on the plus strand (G>A on the coding strand, the complement: GAMT is on the minus strand). VCF-style: chr19-1398964-C-T. GRCh37 (hg19) VCF-style: chr19-1398963-C-T.
Other names: p.W174*:TGG>TGA; NM_000156.6(GAMT):c.522G>A; p.Trp174Ter; c.522G>A, p.Trp174Ter (NM_138924.3); short protein forms W174*.
Identifiers: ClinVar variation 205584 (VCV000205584.38), dbSNP rs370421531, ClinGen allele CA314812.